The following is an entry in ClinVar:

NM_194248.3(OTOF):c.2507G>A (p.Arg836His)

Gene: OTOF (otoferlin; minus strand). Cytogenetic location: 2p23.3.
Variant type: single nucleotide variant.
Coding change: c.2507G>A on transcript NM_194248.3 (MANE Select); coding-DNA position 2507, G replaced by A.
Protein change: p.Arg836His; replaces arginine 836 with histidine.
Molecular consequence: missense variant.
Genome position (GRCh38, 1-based): chr2:26,477,188, C>T on the plus strand (G>A on the coding strand, the complement: OTOF is on the minus strand). VCF-style: chr2-26477188-C-T. GRCh37 (hg19) VCF-style: chr2-26700056-C-T.
Other names: c.2507G>A, p.Arg836His (NM_001287489.2); c.266G>A, p.Arg89His (NM_004802.4, NM_194323.3); c.437G>A, p.Arg146His (NM_194322.3); short protein forms R836H, R89H, R146H.
Identifiers: ClinVar variation 178510 (VCV000178510.10), dbSNP rs200670445, ClinGen allele CA182462.

ClinVar aggregate classification (germline): Conflicting classifications of pathogenicity. Review status: criteria provided, conflicting classifications (1 of 4 stars). 3 submissions from 3 submitters: Uncertain significance (2); Benign (1). Last evaluated 2026-09-17.

Allele frequency attached by ClinVar (database versions not stated): gnomAD exomes 0.00003 and 0.00007; ExAC 0.00013; ESP Exome Variant Server 0.00015; gnomAD 0.00031 and 0.00034; TOPMed 0.00031.
gnomAD v4.1: 89 of 1,610,470 alleles (0.0055%); highest among the groups gnomAD compares: African/African-American, 0.092%; no homozygotes.

Submissions (3):

GeneDx
Classification: Uncertain significance. Last evaluated: 2026-09-17. Review status: criteria provided, single submitter. Criteria: GeneDx Variant Classification Process June 2021. Collection method: clinical testing. Allele origin: germline.
Comment: In silico analysis supports that this missense variant has a deleterious effect on protein structure/function; Has not been previously published as pathogenic or benign in association with an OTOF-related disorder to our knowledge; This variant is associated with the following publications: (PMID: 33057194, 35982159)

Labcorp Genetics (formerly Invitae), Labcorp
Classification: Benign. Last evaluated: 2025-12-15. Review status: criteria provided, single submitter. Criteria: Invitae Variant Classification Sherloc (09022015). Collection method: clinical testing. Allele origin: germline.

Laboratory for Molecular Medicine, Mass General Brigham Personalized Medicine
Classification: Uncertain significance. Last evaluated: 2014-10-27. Review status: criteria provided, single submitter. Criteria: LMM Criteria. Collection method: clinical testing. Allele origin: germline. Observed: 1 variant allele.
Comment: The p.Arg836His variant in OTOF has not been previously reported in individuals with hearing loss, but has been identified in 0.01% (1/8583) of European America n chromosomes and 0.02% (1/4367) of African American chromosomes by the NHLBI Ex ome Sequencing Project (dbSNP rs200670445). A lthough this variant has been seen in the general population, its frequency is n ot high enough to rule out a pathogenic role. The Arginine (Arg) at position 836 is highly conserved in mammals and evolutionary distant species, raising the po ssibility that a change at this position may not be tolerated. However, addition al computational prediction tools do not provide strong support for or against a n impact to the protein. In summary, the clinical significance of the p.Arg836Hi s variant is uncertain.